The following is an entry in ClinVar:

ClinVar aggregate classification (germline): Conflicting classifications of pathogenicity. Review status: criteria provided, conflicting classifications (1 of 4 stars). 5 submissions from 4 submitters: Uncertain significance (3); Benign (1); Likely benign (1). Last evaluated 2025-09-15.

Conditions:
Familial thoracic aortic aneurysm and aortic dissection (TAAD). Also called: Thoracic aortic aneurysms and dissections. Identifiers: Orphanet 91387, MedGen C4707243, MONDO:0019625.
Adams-Oliver syndrome 5 (AOS5). Identifiers: Orphanet 974, MedGen C4014970, MONDO:0014459, OMIM 616028.
Aortic valve disease 1 (AOVD1). Identifiers: MedGen C3887892, MONDO:0024523, OMIM 109730.

Allele frequency attached by ClinVar (database versions not stated): ExAC 0.00001; gnomAD exomes 0.00001; TOPMed 0.00001; gnomAD 0.00002; 1000 Genomes Project 30x 0.00016; 1000 Genomes Project 0.00020.
gnomAD v4.1: 10 of 1,613,198 alleles (0.00062%); highest among the groups gnomAD compares: African/African-American, 0.0053%; no homozygotes.

Submissions (5):

Ambry Genetics
Classification: Likely benign for Familial thoracic aortic aneurysm and aortic dissection. Last evaluated: 2025-09-15. Review status: criteria provided, single submitter. Criteria: Ambry Variant Classification Scheme 2023. Collection method: clinical testing. Allele origin: germline.

Labcorp Genetics (formerly Invitae), Labcorp
Classification: Benign for Adams-Oliver syndrome 5. Last evaluated: 2025-07-08. Review status: criteria provided, single submitter. Criteria: Invitae Variant Classification Sherloc (09022015). Collection method: clinical testing. Allele origin: germline.

GeneDx
Classification: Uncertain significance. Last evaluated: 2023-11-17. Review status: criteria provided, single submitter. Criteria: GeneDx Variant Classification Process June 2021. Collection method: clinical testing. Allele origin: germline. Affected: yes.
Comment: Not observed at significant frequency in large population cohorts (gnomAD); In silico analysis supports that this missense variant does not alter protein structure/function; Has not been previously published as pathogenic or benign to our knowledge

Genome-Nilou Lab
Classification: Uncertain significance for Adams-Oliver syndrome 5. Last evaluated: 2022-03-15. Review status: criteria provided, single submitter. Criteria: ACMG Guidelines, 2015. Collection method: clinical testing. Allele origin: germline. Affected: no.

Genome-Nilou Lab
Classification: Uncertain significance for Aortic valve disease 1. Last evaluated: 2022-03-15. Review status: criteria provided, single submitter. Criteria: ACMG Guidelines, 2015. Collection method: clinical testing. Allele origin: germline. Affected: no.

NM_017617.5(NOTCH1):c.5398G>A (p.Ala1800Thr)

Gene: NOTCH1 (notch receptor 1; minus strand). Cytogenetic location: 9q34.3.
Variant type: single nucleotide variant.
Coding change: c.5398G>A on transcript NM_017617.5 (MANE Select); coding-DNA position 5398, G replaced by A.
Protein change: p.Ala1800Thr; replaces alanine 1800 with threonine.
Molecular consequence: missense variant.
Genome position (GRCh38, 1-based): chr9:136,502,075, C>T on the plus strand (G>A on the coding strand, the complement: NOTCH1 is on the minus strand). VCF-style: chr9-136502075-C-T. GRCh37 (hg19) VCF-style: chr9-139396527-C-T.
Other names: c.5398G>A, p.Ala1800Thr (LRG_1122t1); short protein forms A1800T.
Identifiers: ClinVar variation 520030 (VCV000520030.18), dbSNP rs569203312, ClinGen allele CA5340286.
Genomic context (GRCh38, chr9:136,502,075, plus strand): 5'-TCTCCAGGTCCTCGTCCCCCCACTCATTCTGGTTGTCGTCCATGAGGGCACCGTCTGAAG[C>T]GTTCTTCAGGGGCCTGGGGGGTGAGGGGTCGAGAAGTGAGGCTGAGCGAGCTCCCTAGGA-3'
Protein context (NP_060087.3, residues 1790-1810): DSVGLKPLKN[Ala1800Thr]SDGALMDDNQ